The following is an entry in ClinVar:

NM_001369.3(DNAH5):c.12205G>T (p.Glu4069Ter)

Gene: DNAH5 (dynein axonemal heavy chain 5; minus strand). Cytogenetic location: 5p15.2.
Variant type: single nucleotide variant.
Coding change: c.12205G>T on transcript NM_001369.3 (MANE Select); coding-DNA position 12205, G replaced by T.
Protein change: p.Glu4069Ter; replaces glutamic acid 4069 with a stop codon.
Molecular consequence: nonsense.
Genome position (GRCh38, 1-based): chr5:13,721,074, C>A on the plus strand (G>T on the coding strand, the complement: DNAH5 is on the minus strand). VCF-style: chr5-13721074-C-A. GRCh37 (hg19) VCF-style: chr5-13721183-C-A.
Other names: short protein forms E4069*.
Identifiers: ClinVar variation 2969916 (VCV002969916.3), dbSNP rs2546525282, ClinGen allele CA359213715.

ClinVar aggregate classification (germline): Pathogenic (1 of 4 stars; one submission).

Conditions:
Primary ciliary dyskinesia. Also called: Ciliary dyskinesia. Identifiers: Orphanet 244, MedGen C0008780, MONDO:0016575, HP:0012265.

Submission:

Labcorp Genetics (formerly Invitae), Labcorp
Classification: Pathogenic for Primary ciliary dyskinesia. Last evaluated: 2023-08-19. Review status: criteria provided, single submitter. Criteria: Invitae Variant Classification Sherloc (09022015). Collection method: clinical testing. Allele origin: germline.
Comment: This sequence change creates a premature translational stop signal (p.Glu4069*) in the DNAH5 gene. It is expected to result in an absent or disrupted protein product. Loss-of-function variants in DNAH5 are known to be pathogenic (PMID: 11788826, 16627867). This variant is not present in population databases (gnomAD no frequency). This variant has not been reported in the literature in individuals affected with DNAH5-related conditions. For these reasons, this variant has been classified as Pathogenic.

Literature cited by the submitters: PubMed 11788826; PubMed 16627867.